The following is an entry in ClinVar:

NM_022051.3(EGLN1):c.401A>T (p.Gln134Leu)

Gene: EGLN1 (egl-9 family hypoxia inducible factor 1; minus strand). Cytogenetic location: 1q42.2.
Variant type: single nucleotide variant.
Coding change: c.401A>T on transcript NM_022051.3 (MANE Select); coding-DNA position 401, A replaced by T.
Protein change: p.Gln134Leu; replaces glutamine 134 with leucine.
Molecular consequence: missense variant.
Genome position (GRCh38, 1-based): chr1:231,421,488, T>A on the plus strand (A>T on the coding strand, the complement: EGLN1 is on the minus strand). VCF-style: chr1-231421488-T-A. GRCh37 (hg19) VCF-style: chr1-231557234-T-A.
Other names: c.401A>T, p.Gln134Leu (NM_001377260.1, NM_001377261.1); short protein forms Q134L.
Identifiers: ClinVar variation 3227715 (VCV003227715.1), dbSNP rs2527360257, ClinGen allele CA345237237.

ClinVar aggregate classification (germline): Uncertain significance (1 of 4 stars; one submission).

Submission:

Ambry Genetics
Classification: Uncertain significance. Last evaluated: 2024-01-26. Review status: criteria provided, single submitter. Criteria: Ambry Variant Classification Scheme 2023. Collection method: clinical testing. Allele origin: germline.
Comment: The p.Q134L variant (also known as c.401A>T), located in coding exon 1 of the EGLN1 gene, results from an A to T substitution at nucleotide position 401. The glutamine at codon 134 is replaced by leucine, an amino acid with dissimilar properties. This amino acid position is conserved. In addition, this alteration is predicted to be tolerated by in silico analysis. Based on the available evidence, the clinical significance of this alteration remains unclear.